The following is an entry in ClinVar:

NM_001903.5(CTNNA1):c.293G>A (p.Arg98Gln)

Gene: CTNNA1 (catenin alpha 1; plus strand). Cytogenetic location: 5q31.2.
Variant type: single nucleotide variant.
Coding change: c.293G>A on transcript NM_001903.5 (MANE Select); coding-DNA position 293, G replaced by A.
Protein change: p.Arg98Gln; replaces arginine 98 with glutamine.
Molecular consequence: missense variant. On other transcripts: intron variant (2).
Genome position (GRCh38, 1-based): chr5:138,783,364, G>A. VCF-style: chr5-138783364-G-A. GRCh37 (hg19) VCF-style: chr5-138119053-G-A.
Other names: c.293G>A, p.Arg98Gln (NM_001290307.3, NM_001323982.2, NM_001323983.1 and 3 more transcripts); c.-6+92G>A (NM_001290310.3); c.-9+1335G>A (NM_001290309.3); c.293G>A (NM_001903.4); short protein forms R98Q.
Identifiers: ClinVar variation 639160 (VCV000639160.21), dbSNP rs746832628, ClinGen allele CA3431396.

ClinVar aggregate classification (germline): Conflicting classifications of pathogenicity. Review status: criteria provided, conflicting classifications (1 of 4 stars). 7 submissions from 7 submitters: Uncertain significance (5); Benign (2). Last evaluated 2026-01-29.

Conditions:
Patterned macular dystrophy 2. Identifiers: Orphanet 99001, MedGen C1837029, MONDO:0012162, OMIM 608970.
CTNNA1-related disorder. Also called: CTNNA1-related condition.
Hereditary cancer-predisposing syndrome. Also called: Neoplastic Syndromes, Hereditary; Tumor predisposition; Hereditary neoplastic syndrome; Hereditary Cancer Syndrome. Identifiers: Orphanet 140162, MedGen C0027672, MeSH D009386, MONDO:0015356.

Allele frequency attached by ClinVar (database versions not stated): ExAC 0.00002; gnomAD exomes 0.00002 and 0.00008; TOPMed 0.00002.
gnomAD v4.1: 28 of 1,612,850 alleles (0.0017%); highest among the groups gnomAD compares: Admixed American, 0.035%; no homozygotes.

Submissions (7):

Labcorp Genetics (formerly Invitae), Labcorp
Classification: Uncertain significance. Last evaluated: 2026-01-29. Review status: criteria provided, single submitter. Criteria: Invitae Variant Classification Sherloc (09022015). Collection method: clinical testing. Allele origin: germline.
Comment: This sequence change replaces arginine, which is basic and polar, with glutamine, which is neutral and polar, at codon 98 of the CTNNA1 protein (p.Arg98Gln). This variant is present in population databases (rs746832628, gnomAD 0.05%), and has an allele count higher than expected for a pathogenic variant. This missense change has been observed in individual(s) with retinitis pigmentosa (internal data). ClinVar contains an entry for this variant (Variation ID: 639160). Invitae Evidence Modeling of protein sequence and biophysical properties (such as structural, functional, and spatial information, amino acid conservation, physicochemical variation, residue mobility, and thermodynamic stability) indicates that this missense variant is not expected to disrupt CTNNA1 protein function with a negative predictive value of 80%. In summary, the available evidence is currently insufficient to determine the role of this variant in disease. Therefore, it has been classified as a Variant of Uncertain Significance.

PreventionGenetics, part of Exact Sciences
Classification: Uncertain significance for CTNNA1-related condition. Last evaluated: 2025-09-15. Review status: criteria provided, single submitter. Criteria: ACMG Guidelines, 2015. Collection method: clinical testing. Allele origin: germline.
Comment: The CTNNA1 c.293G>A variant is predicted to result in the amino acid substitution p.Arg98Gln. This variant was reported as a variant of uncertain significance in a study of individuals with gastric or breast cancer (Clark et al 2020. PubMed ID: 32051609). This variant is reported in 0.049% of alleles in individuals of Latino descent in gnomAD. This variant has conflicting interpretations in ClinVar ranging from uncertain to likely benign (Variation ID: 639160). At this time, the clinical significance of this variant is uncertain due to the absence of conclusive functional and genetic evidence.

Fulgent Genetics
Classification: Uncertain significance for Patterned macular dystrophy 2. Last evaluated: 2024-01-23. Review status: criteria provided, single submitter. Criteria: ACMG Guidelines, 2015. Collection method: clinical testing. Allele origin: germline.

Baylor Genetics
Classification: Uncertain significance for Patterned macular dystrophy 2. Last evaluated: 2023-10-31. Review status: criteria provided, single submitter. Criteria: ACMG Guidelines, 2015. Collection method: clinical testing. Allele origin: unknown.

Blueprint Genetics
Classification: Benign. Last evaluated: 2023-10-19. Review status: criteria provided, single submitter. Criteria: ACMG Guidelines, 2015. Collection method: clinical testing. Allele origin: germline.

GeneDx
Classification: Uncertain significance. Last evaluated: 2023-05-31. Review status: criteria provided, single submitter. Criteria: GeneDx Variant Classification Process June 2021. Collection method: clinical testing. Allele origin: germline. Affected: yes.
Comment: In silico analysis supports that this missense variant has a deleterious effect on protein structure/function; Observed in individuals referred for hereditary cancer multi-gene panel testing (Clark et al., 2020); This variant is associated with the following publications: (PMID: Molina2021[Poster], 32051609)

Ambry Genetics
Classification: Benign for Hereditary cancer-predisposing syndrome. Last evaluated: 2023-02-25. Review status: criteria provided, single submitter. Criteria: Ambry Variant Classification Scheme 2023. Collection method: clinical testing. Allele origin: germline.

Literature cited by the submitters: PubMed 32051609 (cited by Ambry Genetics).